The following is an entry in ClinVar:

ClinVar aggregate classification (germline): Uncertain significance (1 of 4 stars; one submission).

Conditions:
Wilson disease (WND). Also called: Wilson's disease. Identifiers: Orphanet 905, MedGen C0019202, MONDO:0010200, OMIM 277900. Disease mechanism: loss of function.

Allele frequency attached by ClinVar (database versions not stated): gnomAD exomes below 0.00001; TOPMed below 0.00001.
gnomAD v4.1: 4 of 1,614,210 alleles (0.00025%); highest among the groups gnomAD compares: Non-Finnish European, 0.00025%; no homozygotes.

Submission:

ARUP Laboratories, Molecular Genetics and Genomics, ARUP Laboratories
Classification: Uncertain significance for Wilson disease. Last evaluated: 2023-04-18. Review status: criteria provided, single submitter. Criteria: ARUP Molecular Germline Variant Investigation Process 2024. Collection method: clinical testing. Allele origin: germline.
Comment: The ATP7B c.3952G>C; p.Val1318Leu variant (rs1275125090), to our knowledge, is not reported in the medical literature or gene specific databases. This variant is also absent from the Genome Aggregation Database, indicating it is not a common polymorphism. Computational analyses predict that this variant is neutral (REVEL: 0.693). Due to limited information, the clinical significance of this variant is uncertain at this time.

NM_000053.4(ATP7B):c.3952G>C (p.Val1318Leu)

Gene: ATP7B (ATPase copper transporting beta; minus strand). Cytogenetic location: 13q14.3.
Variant type: single nucleotide variant.
Coding change: c.3952G>C on transcript NM_000053.4 (MANE Select); coding-DNA position 3952, G replaced by C.
Protein change: p.Val1318Leu; replaces valine 1318 with leucine.
Molecular consequence: missense variant.
Genome position (GRCh38, 1-based): chr13:51,937,345, C>G on the plus strand (G>C on the coding strand, the complement: ATP7B is on the minus strand). VCF-style: chr13-51937345-C-G. GRCh37 (hg19) VCF-style: chr13-52511481-C-G.
Other names: c.3619G>C, p.Val1207Leu (NM_001243182.2); c.3718G>C, p.Val1240Leu (NM_001330578.2, NM_001406527.1, NM_001406528.1); c.3700G>C, p.Val1234Leu (NM_001330579.2, NM_001406531.1, NM_001406532.1); c.3952G>C, p.Val1318Leu (NM_001406511.1, NM_001406512.1); c.3946G>C, p.Val1316Leu (NM_001406513.1); c.3919G>C, p.Val1307Leu (NM_001406514.1); c.3898G>C, p.Val1300Leu (NM_001406515.1, NM_001406516.1); c.3856G>C, p.Val1286Leu (NM_001406517.1, NM_001406518.1); and 21 more; short protein forms V1154L, V1222L, V1234L, V1250L, V1259L, V1318L, V1037L, V1102L.
Identifiers: ClinVar variation 2921179 (VCV002921179.1), dbSNP rs1275125090, ClinGen allele CA388021100.
Genomic context (GRCh38, chr13:51,937,345, plus strand): 5'-TGGGTATCCCAACCAGGTTATAAATCAGTGCCAGGACCAGGTTGATGCGTATCCTTCGGA[C>G]AGTCCTCTTGGAAAGGTGAATGCTAGCCACCACATCCAGCAAATCATTCTGATGGAGAGG-3'
Protein context (NP_000044.2, residues 1308-1328): VASIHLSKRT[Val1318Leu]RRIRINLVLA